The following is an entry in ClinVar:

ClinVar aggregate classification (germline): Pathogenic. Review status: reviewed by expert panel (3 of 4 stars). 7 submissions from 7 submitters: Pathogenic (1). 6 of the submissions do not count toward it. Last evaluated 2016-09-08.

Conditions:
Hereditary breast ovarian cancer syndrome. Also called: Breast and ovarian cancer; Hereditary breast and ovarian cancer; Hereditary breast and ovarian cancer syndrome; BRCA1- and BRCA2-Associated Hereditary Breast and Ovarian Cancer; Hereditary breast and ovarian cancer syndrome (HBOC); Hereditary breast and/or ovarian cancer syndrome. Identifiers: Orphanet 145, MedGen C0677776, MeSH D061325, MONDO:0003582. Disease mechanism: loss of function.
Hereditary cancer-predisposing syndrome. Also called: Tumor predisposition; Hereditary Cancer Syndrome; Neoplastic Syndromes, Hereditary; Hereditary neoplastic syndrome. Identifiers: Orphanet 140162, MedGen C0027672, MeSH D009386, MONDO:0015356.
Breast-ovarian cancer, familial, susceptibility to, 2 (BROVCA2). Also called: BRCA2 Hereditary Breast and Ovarian Cancer. Identifiers: Orphanet 145, MedGen C2675520, MONDO:0012933, OMIM 612555. Disease mechanism: loss of function.

Allele frequency attached by ClinVar (database versions not stated): gnomAD exomes below 0.00001.
gnomAD v4.1: 1 of 1,593,206 alleles (0.000063%); highest among the groups gnomAD compares: East Asian, 0.0022%; no homozygotes.

Submissions (7):

Evidence-based Network for the Interpretation of Germline Mutant Alleles (ENIGMA)
Classification: Pathogenic for Breast-ovarian cancer, familial, susceptibility to, 2. Last evaluated: 2016-09-08. Review status: reviewed by expert panel. Criteria: ENIGMA BRCA1/2 Classification Criteria (2015). Collection method: curation. Allele origin: germline.
Comment: Variant allele predicted to encode a truncated non-functional protein.

Labcorp Genetics (formerly Invitae), Labcorp
Classification: Pathogenic for Hereditary breast ovarian cancer syndrome. Last evaluated: 2026-01-31. Review status: criteria provided, single submitter. Criteria: Invitae Variant Classification Sherloc (09022015). Collection method: clinical testing. Allele origin: germline. Not counted in ClinVar's aggregate classification.
Comment: This sequence change creates a premature translational stop signal (p.Ser1442*) in the BRCA2 gene. It is expected to result in an absent or disrupted protein product. Loss-of-function variants in BRCA2 are known to be pathogenic (PMID: 20104584). This variant is not present in population databases (gnomAD no frequency). This premature translational stop signal has been observed in individual(s) with clinical features of BRCA2-related conditions (PMID: 29446198). ClinVar contains an entry for this variant (Variation ID: 91820). For these reasons, this variant has been classified as Pathogenic.

Ambry Genetics
Classification: Pathogenic for Hereditary cancer-predisposing syndrome. Last evaluated: 2023-01-06. Review status: criteria provided, single submitter. Criteria: Ambry Variant Classification Scheme 2023. Collection method: clinical testing. Allele origin: germline. Not counted in ClinVar's aggregate classification.
Comment: The p.S1442* pathogenic mutation (also known as c.4325C>G), located in coding exon 10 of the BRCA2 gene, results from a C to G substitution at nucleotide position 4325. This changes the amino acid from a serine to a stop codon within coding exon 10. This variant is considered to be rare based on population cohorts in the Genome Aggregation Database (gnomAD). This alteration is expected to result in loss of function by premature protein truncation or nonsense-mediated mRNA decay. As such, this alteration is interpreted as a disease-causing mutation.

Color Diagnostics, LLC DBA Color Health
Classification: Pathogenic for Hereditary cancer-predisposing syndrome. Last evaluated: 2020-05-19. Review status: criteria provided, single submitter. Criteria: ACMG Guidelines, 2015. Collection method: clinical testing. Allele origin: germline. Not counted in ClinVar's aggregate classification.
Comment: This variant changes 1 nucleotide in exon 11 of the BRCA2 gene, creating a premature translation stop signal. This variant is expected to result in an absent or non-functional protein product. To our knowledge, this variant has not been reported in individuals affected with hereditary cancer in the literature. This variant has not been identified in the general population by the Genome Aggregation Database (gnomAD). Loss of BRCA2 function is a known mechanism of disease. Based on the available evidence, this variant is classified as Pathogenic.

Quest Diagnostics Nichols Institute San Juan Capistrano
Classification: Pathogenic for Breast-ovarian cancer, familial, susceptibility to, 2. Last evaluated: 2015-08-25. Review status: criteria provided, single submitter. Criteria: Quest Diagnostics criteria. Collection method: clinical testing. Allele origin: germline. Inheritance: Autosomal dominant inheritance. Not counted in ClinVar's aggregate classification.

GeneDx
Classification: Pathogenic. Last evaluated: 2014-10-01. Review status: criteria provided, single submitter. Criteria: GeneDx Variant Classification (06012015). Collection method: clinical testing. Allele origin: germline. Affected: yes. Not counted in ClinVar's aggregate classification.
Comment: This pathogenic variant is denoted BRCA2 c.4325C>G at the cDNA level and p.Ser1442Ter (S1442X) at the protein level. The substitution creates a nonsense variant, which changes a Serine to a premature stop codon (TCA>TGA), and is predicted to cause loss of normal protein function through either protein truncation or nonsense-mediated mRNA decay. This variant is also known as 4553C>G using alternate nomenclature. Although this variant has not, to our knowledge, been reported in the literature, it is considered pathogenic.

Sharing Clinical Reports Project (SCRP)
Classification: Pathogenic for Breast-ovarian cancer, familial 2. Last evaluated: 2010-10-27. Review status: no assertion criteria provided. Collection method: clinical testing. Allele origin: germline. Not counted in ClinVar's aggregate classification.

Literature cited by the submitters: PubMed 20104584 (cited by Labcorp Genetics (formerly Invitae), Labcorp); PubMed 29446198 (cited by Labcorp Genetics (formerly Invitae), Labcorp); PubMed 26295337 (cited by Quest Diagnostics Nichols Institute San Juan Capistrano).

NM_000059.4(BRCA2):c.4325C>G (p.Ser1442Ter)

Gene: BRCA2 (BRCA2 DNA repair associated; plus strand). Cytogenetic location: 13q13.1.
Variant type: single nucleotide variant.
Coding change: c.4325C>G on transcript NM_000059.4 (MANE Select); coding-DNA position 4325, C replaced by G.
Protein change: p.Ser1442Ter; replaces serine 1442 with a stop codon.
Molecular consequence: nonsense.
Genome position (GRCh38, 1-based): chr13:32,338,680, C>G. VCF-style: chr13-32338680-C-G. GRCh37 (hg19) VCF-style: chr13-32912817-C-G.
Other names: p.S1442*:TCA>TGA; 4553C>G; short protein forms S1442*.
Identifiers: ClinVar variation 91820 (VCV000091820.16), dbSNP rs80358670, ClinGen allele CA019993.
Genomic context (GRCh38, chr13:32,338,680, plus strand): 5'-AGACTTCTGATACATTTTTTCAGACTGCAAGTGGGAAAAATATTAGTGTCGCCAAAGAGT[C>G]ATTTAATAAAATTGTAAATTTCTTTGATCAGAAACCAGAAGAATTGCATAACTTTTCCTT-3'